The following is an entry in ClinVar:

NM_017654.4(SAMD9):c.4472G>T (p.Arg1491Ile)

Gene: SAMD9 (sterile alpha motif domain containing 9; minus strand). Cytogenetic location: 7q21.2.
Variant type: single nucleotide variant.
Coding change: c.4472G>T on transcript NM_017654.4 (MANE Select); coding-DNA position 4472, G replaced by T.
Protein change: p.Arg1491Ile; replaces arginine 1491 with isoleucine.
Molecular consequence: missense variant.
Genome position (GRCh38, 1-based): chr7:93,101,626, C>A on the plus strand (G>T on the coding strand, the complement: SAMD9 is on the minus strand). VCF-style: chr7-93101626-C-A. GRCh37 (hg19) VCF-style: chr7-92730939-C-A.
Other names: c.4472G>T, p.Arg1491Ile (NM_001193307.2); short protein forms R1491I.
Identifiers: ClinVar variation 4629911 (VCV004629911.1).

ClinVar aggregate classification (germline): Uncertain significance (1 of 4 stars; one submission).

Conditions:
Inborn genetic diseases. Identifiers: MedGen C0950123, MeSH D030342.

Submission:

Ambry Genetics
Classification: Uncertain significance for Inborn genetic diseases. Last evaluated: 2025-10-30. Review status: criteria provided, single submitter. Criteria: Ambry Variant Classification Scheme 2023. Collection method: clinical testing. Allele origin: germline.
Comment: The p.R1491I variant (also known as c.4472G>T), located in coding exon 1 of the SAMD9 gene, results from a G to T substitution at nucleotide position 4472. The arginine at codon 1491 is replaced by isoleucine, an amino acid with similar properties. This amino acid position is conserved. In addition, this alteration is predicted to be tolerated by in silico analysis. Based on the available evidence, the clinical significance of this variant remains unclear.